The following is an entry in ClinVar:

NM_000755.5(CRAT):c.696G>C (p.Gln232His)

Gene: CRAT (carnitine O-acetyltransferase; minus strand). Cytogenetic location: 9q34.11.
Variant type: single nucleotide variant.
Coding change: c.696G>C on transcript NM_000755.5 (MANE Select); coding-DNA position 696, G replaced by C.
Protein change: p.Gln232His; replaces glutamine 232 with histidine.
Molecular consequence: missense variant.
Genome position (GRCh38, 1-based): chr9:129,101,992, C>G on the plus strand (G>C on the coding strand, the complement: CRAT is on the minus strand). VCF-style: chr9-129101992-C-G. GRCh37 (hg19) VCF-style: chr9-131864271-C-G.
Other names: c.633G>C, p.Gln211His (NM_001257363.3, NM_001346548.2, NM_004003.4); c.699G>C, p.Gln233His (NM_001346546.2); c.696G>C, p.Gln232His (NM_001346547.2); c.576G>C, p.Gln192His (NM_001346549.2); short protein forms Q192H, Q211H, Q232H, Q233H.
Identifiers: ClinVar variation 1495943 (VCV001495943.6), dbSNP rs749827330, ClinGen allele CA5275659.
Genomic context (GRCh38, chr9:129,101,992, plus strand): 5'-GGTGAGGATGCCCACAGGCTCCTTGTTGGTCTGTAGGGATGAGTTCCAGATCTTCTCCAG[C>G]TGCACAAAGATCTGATCCGCAGTGAGGGGTGTCCCGTCACTGTGGTACACATCCAGCTCA-3'
Protein context (NP_000746.3, residues 222-242): TPLTADQIFV[Gln232His]LEKIWNSSLQ

ClinVar aggregate classification (germline): Uncertain significance (1 of 4 stars; one submission).

Allele frequency attached by ClinVar (database versions not stated): gnomAD exomes 0.00001; ExAC 0.00002.

Submission:

Labcorp Genetics (formerly Invitae), Labcorp
Classification: Uncertain significance. Last evaluated: 2021-12-02. Review status: criteria provided, single submitter. Criteria: Invitae Variant Classification Sherloc (09022015). Collection method: clinical testing. Allele origin: germline.
Comment: In summary, the available evidence is currently insufficient to determine the role of this variant in disease. Therefore, it has been classified as a Variant of Uncertain Significance. Algorithms developed to predict the effect of missense changes on protein structure and function are either unavailable or do not agree on the potential impact of this missense change (SIFT: "Deleterious"; PolyPhen-2: "Probably Damaging"; Align-GVGD: "Class C0"). This variant has not been reported in the literature in individuals affected with CRAT-related conditions. This variant is present in population databases (rs749827330, gnomAD 0.002%). This sequence change replaces glutamine, which is neutral and polar, with histidine, which is basic and polar, at codon 232 of the CRAT protein (p.Gln232His).